The following is an entry in ClinVar:

NM_021830.5(TWNK):c.1615A>C (p.Ile539Leu)

Gene: TWNK (twinkle mtDNA helicase; plus strand). Cytogenetic location: 10q24.31.
Variant type: single nucleotide variant.
Coding change: c.1615A>C on transcript NM_021830.5 (MANE Select); coding-DNA position 1615, A replaced by C.
Protein change: p.Ile539Leu; replaces isoleucine 539 with leucine.
Molecular consequence: missense variant. On other transcripts: non-coding transcript variant (5).
Genome position (GRCh38, 1-based): chr10:100,990,891, A>C. VCF-style: chr10-100990891-A-C. GRCh37 (hg19) VCF-style: chr10-102750648-A-C.
Other names: c.1615A>C, p.Ile539Leu (NM_001163812.2); c.253A>C, p.Ile85Leu (NM_001163813.2, NM_001163814.2, NM_001368275.1); short protein forms I539L, I85L.
Identifiers: ClinVar variation 3668653 (VCV003668653.2).

ClinVar aggregate classification (germline): Uncertain significance (1 of 4 stars; one submission).

gnomAD v4.1: 7 of 1,614,138 alleles (0.00043%); highest among the groups gnomAD compares: Admixed American, 0.012%; no homozygotes.

Submission:

Labcorp Genetics (formerly Invitae), Labcorp
Classification: Uncertain significance. Last evaluated: 2024-11-12. Review status: criteria provided, single submitter. Criteria: Invitae Variant Classification Sherloc (09022015). Collection method: clinical testing. Allele origin: germline.
Comment: This sequence change replaces isoleucine, which is neutral and non-polar, with leucine, which is neutral and non-polar, at codon 539 of the TWNK protein (p.Ile539Leu). This variant is present in population databases (rs200192223, gnomAD 0.02%). This variant has not been reported in the literature in individuals affected with TWNK-related conditions. Invitae Evidence Modeling of protein sequence and biophysical properties (such as structural, functional, and spatial information, amino acid conservation, physicochemical variation, residue mobility, and thermodynamic stability) has been performed for this missense variant. However, the output from this modeling did not meet the statistical confidence thresholds required to predict the impact of this variant on TWNK protein function. In summary, the available evidence is currently insufficient to determine the role of this variant in disease. Therefore, it has been classified as a Variant of Uncertain Significance.